The following is an entry in ClinVar:

ClinVar aggregate classification (germline): Uncertain significance (1 of 4 stars; one submission).

Submission:

Labcorp Genetics (formerly Invitae), Labcorp
Classification: Uncertain significance. Last evaluated: 2022-03-01. Review status: criteria provided, single submitter. Criteria: Invitae Variant Classification Sherloc (09022015). Collection method: clinical testing. Allele origin: germline.
Comment: In summary, the available evidence is currently insufficient to determine the role of this variant in disease. Therefore, it has been classified as a Variant of Uncertain Significance. Algorithms developed to predict the effect of missense changes on protein structure and function are either unavailable or do not agree on the potential impact of this missense change (SIFT: "Not Available"; PolyPhen-2: "Probably Damaging"; Align-GVGD: "Not Available"). This variant has not been reported in the literature in individuals affected with PIK3C2A-related conditions. This variant is not present in population databases (gnomAD no frequency). This sequence change replaces isoleucine, which is neutral and non-polar, with arginine, which is basic and polar, at codon 834 of the PIK3C2A protein (p.Ile834Arg).

NM_002645.4(PIK3C2A):c.2501T>G (p.Ile834Arg)

Gene: PIK3C2A (phosphatidylinositol-4-phosphate 3-kinase catalytic subunit type 2 alpha; minus strand). Cytogenetic location: 11p15.1.
Variant type: single nucleotide variant.
Coding change: c.2501T>G on transcript NM_002645.4 (MANE Select); coding-DNA position 2501, T replaced by G.
Protein change: p.Ile834Arg; replaces isoleucine 834 with arginine.
Molecular consequence: missense variant.
Genome position (GRCh38, 1-based): chr11:17,122,712, A>C on the plus strand (T>G on the coding strand, the complement: PIK3C2A is on the minus strand). VCF-style: chr11-17122712-A-C. GRCh37 (hg19) VCF-style: chr11-17144259-A-C.
Other names: c.2501T>G, p.Ile834Arg (NM_001321378.2); c.1361T>G, p.Ile454Arg (NM_001321380.2); c.2333T>G, p.Ile778Arg (NM_001386870.1); short protein forms I454R, I834R, I778R.
Identifiers: ClinVar variation 2105335 (VCV002105335.4), dbSNP rs1427883893, ClinGen allele CA379762345.